The following is an entry in ClinVar:

NM_000718.4(CACNA1B):c.5353G>A (p.Glu1785Lys)

Gene: CACNA1B (calcium voltage-gated channel subunit alpha1 B; plus strand). Cytogenetic location: 9q34.3.
Variant type: single nucleotide variant.
Coding change: c.5353G>A on transcript NM_000718.4 (MANE Select); coding-DNA position 5353, G replaced by A.
Protein change: p.Glu1785Lys; replaces glutamic acid 1785 with lysine.
Molecular consequence: missense variant.
Genome position (GRCh38, 1-based): chr9:138,105,732, G>A. VCF-style: chr9-138105732-G-A. GRCh37 (hg19) VCF-style: chr9-141000184-G-A.
Other names: c.5353G>A, p.Glu1785Lys (NM_001243812.2); short protein forms E1785K.
Identifiers: ClinVar variation 2493127 (VCV002493127.4), dbSNP rs767192514, ClinGen allele CA5377350.
Genomic context (GRCh38, chr9:138,105,732, plus strand): 5'-GCCCTGACCGGCCCTGCTTGTCCCTAGCGCCTGGTTCGCATGAACATGCCCATCTCCAAC[G>A]AGGACATGACTGTTCACTTCACGTCCACGCTGATGGCCCTCATCCGGACGGCACTGGAGA-3'
Protein context (NP_000709.1, residues 1775-1795): LVRMNMPISN[Glu1785Lys]DMTVHFTSTL

ClinVar aggregate classification (germline): Uncertain significance. Review status: criteria provided, multiple submitters, no conflicts (2 of 4 stars). 3 submissions from 3 submitters: Uncertain significance (3). Last evaluated 2023-06-08.

Conditions:
CACNA1B-related disorder. Also called: CACNA1B-related condition.

Allele frequency attached by ClinVar (database versions not stated): TOPMed below 0.00001; gnomAD 0.00001; ExAC 0.00008.
gnomAD v4.1: 23 of 1,564,690 alleles (0.0015%); highest among the groups gnomAD compares: Non-Finnish European, 0.0017%; no homozygotes.

Submissions (3):

GeneDx
Classification: Uncertain significance. Last evaluated: 2023-06-08. Review status: criteria provided, single submitter. Criteria: GeneDx Variant Classification Process June 2021. Collection method: clinical testing. Allele origin: germline. Affected: yes.
Comment: In silico analysis supports that this missense variant has a deleterious effect on protein structure/function; Has not been previously published as pathogenic or benign to our knowledge; Variants in candidate genes are classified as variants of uncertain significance in accordance with ACMG guidelines (Richards et al., 2015)

PreventionGenetics, part of Exact Sciences
Classification: Uncertain significance for CACNA1B-related condition. Last evaluated: 2023-03-17. Review status: criteria provided, single submitter. Criteria: ACMG Guidelines, 2015. Collection method: clinical testing. Allele origin: germline.
Comment: The CACNA1B c.5353G>A variant is predicted to result in the amino acid substitution p.Glu1785Lys. To our knowledge, this variant has not been reported in the literature. This variant is reported in 0.0039% of alleles in individuals of European (Non-Finnish) descent in gnomAD. At this time, the clinical significance of this variant is uncertain due to the absence of conclusive functional and genetic evidence.

Ambry Genetics
Classification: Uncertain significance. Last evaluated: 2023-03-02. Review status: criteria provided, single submitter. Criteria: Ambry Variant Classification Scheme 2023. Collection method: clinical testing. Allele origin: germline.